The following is an entry in ClinVar:

NM_006346.4(PIBF1):c.118C>T (p.Arg40Ter)

Gene: PIBF1 (progesterone immunomodulatory binding factor 1; plus strand). Cytogenetic location: 13q21.33.
Variant type: single nucleotide variant.
Coding change: c.118C>T on transcript NM_006346.4 (MANE Select); coding-DNA position 118, C replaced by T.
Protein change: p.Arg40Ter; replaces arginine 40 with a stop codon.
Molecular consequence: nonsense. On other transcripts: non-coding transcript variant (2).
Genome position (GRCh38, 1-based): chr13:72,783,587, C>T. VCF-style: chr13-72783587-C-T. GRCh37 (hg19) VCF-style: chr13-73357725-C-T.
Other names: c.118C>T, p.Arg40Ter (NM_001349655.2); short protein forms R40*.
Identifiers: ClinVar variation 1979240 (VCV001979240.4), dbSNP rs770532605, ClinGen allele CA7001842.
Genomic context (GRCh38, chr13:72,783,587, plus strand): 5'-TCTGAAGATATTAGTTTAGAAACAACAGTTCCTACGGATGATATTTCCTCATCAGAAGAG[C>T]GAGAGGGCAAAGTCAGAATCACCAGGCAGCTAATTGAACGAAAAGAACTACTTCATAATA-3'

ClinVar aggregate classification (germline): Pathogenic (1 of 4 stars; one submission).

gnomAD v4.1: 28 of 1,613,904 alleles (0.0017%); highest among the groups gnomAD compares: Non-Finnish European, 0.0024%; no homozygotes.

Submission:

Labcorp Genetics (formerly Invitae), Labcorp
Classification: Pathogenic. Last evaluated: 2024-01-24. Review status: criteria provided, single submitter. Criteria: Invitae Variant Classification Sherloc (09022015). Collection method: clinical testing. Allele origin: germline.
Comment: This sequence change creates a premature translational stop signal (p.Arg40*) in the PIBF1 gene. It is expected to result in an absent or disrupted protein product. Loss-of-function variants in PIBF1 are known to be pathogenic (PMID: 28688840, 33004012). This variant is present in population databases (rs770532605, gnomAD 0.002%). This variant has not been reported in the literature in individuals affected with PIBF1-related conditions. ClinVar contains an entry for this variant (Variation ID: 1979240). For these reasons, this variant has been classified as Pathogenic.

Literature cited by the submitters: PubMed 28688840; PubMed 33004012.